The following is an entry in ClinVar:

NM_205768.3(ZBTB18):c.1052G>C (p.Ser351Thr)

Gene: ZBTB18 (zinc finger and BTB domain containing 18; plus strand). Cytogenetic location: 1q44.
Variant type: single nucleotide variant.
Coding change: c.1052G>C on transcript NM_205768.3 (MANE Select); coding-DNA position 1052, G replaced by C.
Protein change: p.Ser351Thr; replaces serine 351 with threonine.
Molecular consequence: missense variant. On other transcripts: 3 prime UTR variant (1).
Genome position (GRCh38, 1-based): chr1:244,054,826, G>C. VCF-style: chr1-244054826-G-C. GRCh37 (hg19) VCF-style: chr1-244218128-G-C.
Other names: c.1025G>C, p.Ser342Thr (NM_001278196.2, NM_006352.5); c.*229G>C (NM_001421566.1); short protein forms S342T, S351T.
Identifiers: ClinVar variation 2636748 (VCV002636748.4), dbSNP rs1264379057, ClinGen allele CA345674271.
Genomic context (GRCh38, chr1:244,054,826, plus strand): 5'-TCTTGAGGGAGCTGGACCGGGAGGACAAAGCCAGTGATGATGAGATGATGACCCCAGAGA[G>C]CGAGCGTGTCCAGGTGGAGGGAGGCATGGAGAGCAGTCTGCTCCCCTACGTCTCCAACAT-3'
Protein context (NP_991331.1, residues 341-361): ASDDEMMTPE[Ser351Thr]ERVQVEGGME

ClinVar aggregate classification (germline): Uncertain significance (1 of 4 stars; one submission).

Conditions:
ZBTB18-related disorder. Also called: ZBTB18-related condition.

gnomAD v4.1: 7 of 1,614,136 alleles (0.00043%); highest among the groups gnomAD compares: African/African-American, 0.0013%; no homozygotes.

Submission:

PreventionGenetics, part of Exact Sciences
Classification: Uncertain significance for ZBTB18-related condition. Last evaluated: 2024-12-11. Review status: criteria provided, single submitter. Criteria: ACMG Guidelines, 2015. Collection method: clinical testing. Allele origin: germline.
Comment: The ZBTB18 c.1052G>C variant is predicted to result in the amino acid substitution p.Ser351Thr. To our knowledge, this variant has not been reported in the literature. This variant is reported in 0.00088% of alleles in individuals of European (non-Finnish) descent in gnomAD. At this time, the clinical significance of this variant is uncertain due to the absence of conclusive functional and genetic evidence.